The following is an entry in ClinVar:

ClinVar aggregate classification (germline): Pathogenic. Review status: criteria provided, multiple submitters, no conflicts (2 of 4 stars). 2 submissions from 2 submitters: Pathogenic (2). Last evaluated 2024-05-30.

Conditions:
PKD1-related disorder. Also called: PKD1-related condition.

Submissions (2):

Blueprint Genetics
Classification: Pathogenic for PKD1-related disorders. Last evaluated: 2024-05-30. Review status: criteria provided, single submitter. Criteria: ACMG Guidelines, 2015. Collection method: clinical testing. Allele origin: germline. Affected: yes. Observed: 2 variant alleles.

GeneDx
Classification: Pathogenic. Last evaluated: 2023-06-22. Review status: criteria provided, single submitter. Criteria: GeneDx Variant Classification Process June 2021. Collection method: clinical testing. Allele origin: germline. Affected: yes.
Comment: Frameshift variant predicted to result in protein truncation or nonsense mediated decay in a gene for which loss of function is a known mechanism of disease; Not observed at significant frequency in large population cohorts (gnomAD); This variant is associated with the following publications: (PMID: 22508176)

NM_001009944.3(PKD1):c.8320_8321del (p.Leu2774fs)

Gene: PKD1 (polycystin 1, transient receptor potential channel interacting; minus strand). Cytogenetic location: 16p13.3.
Variant type: Deletion.
Coding change: c.8320_8321del on transcript NM_001009944.3 (MANE Select); coding-DNA positions 8320 to 8321, 2 bases deleted (CT; older notation c.8320_8321delCT).
Protein change: p.Leu2774fs; shifts the reading frame from leucine 2774.
Molecular consequence: frameshift variant.
Genome position (GRCh38, 1-based): chr16:2,103,736-2,103,737, AG deleted on the plus strand (CT on the coding strand, the reverse complement: PKD1 is on the minus strand). VCF-style (leftmost placement, unchanged base first): chr16-2103735-CAG-C. GRCh37 (hg19) VCF-style: chr16-2153736-CAG-C.
Other names: c.8320_8321del, p.Leu2774fs (NM_000296.4); c.8320_8321delCT, p.Leu2774Aspfs (NM_001009944.2); short protein forms L2774fs.
Identifiers: ClinVar variation 2506782 (VCV002506782.2), dbSNP rs2544745650, ClinGen allele CA2580612712.